The following is an entry in ClinVar:

NM_017866.6(TMEM70):c.296A>G (p.Asn99Ser)

Gene: TMEM70 (transmembrane protein 70; plus strand). Cytogenetic location: 8q21.11.
Variant type: single nucleotide variant.
Coding change: c.296A>G on transcript NM_017866.6 (MANE Select); coding-DNA position 296, A replaced by G.
Protein change: p.Asn99Ser; replaces asparagine 99 with serine.
Molecular consequence: missense variant. On other transcripts: non-coding transcript variant (1).
Genome position (GRCh38, 1-based): chr8:73,978,841, A>G. VCF-style: chr8-73978841-A-G. GRCh37 (hg19) VCF-style: chr8-74891076-A-G.
Other names: c.296A>G, p.Asn99Ser (NM_001040613.3); short protein forms N99S.
Identifiers: ClinVar variation 2043204 (VCV002043204.4), dbSNP rs763250012, ClinGen allele CA4783994.

ClinVar aggregate classification (germline): Uncertain significance (1 of 4 stars; one submission).

Conditions:
Mitochondrial complex V (ATP synthase) deficiency, nuclear type 2. Also called: Nuclear-Encoded ATPase Deficiency, TMEM70-Related; ENCEPHALOCARDIOMYOPATHY, MITOCHONDRIAL, NEONATAL, DUE TO ATP SYNTHASE DEFICIENCY; MITOCHONDRIAL COMPLEX V (ATP SYNTHASE) DEFICIENCY, TMEM70 TYPE. Identifiers: Orphanet 1194, MedGen C3279699, MONDO:0013546, OMIM 614052.

Allele frequency attached by ClinVar (database versions not stated): gnomAD 0.00001.
gnomAD v4.1: 19 of 1,614,162 alleles (0.0012%); highest among the groups gnomAD compares: South Asian, 0.019%; no homozygotes.

Submission:

Labcorp Genetics (formerly Invitae), Labcorp
Classification: Uncertain significance for Mitochondrial complex V (ATP synthase) deficiency, nuclear type 2. Last evaluated: 2022-03-26. Review status: criteria provided, single submitter. Criteria: Invitae Variant Classification Sherloc (09022015). Collection method: clinical testing. Allele origin: germline.
Comment: In summary, the available evidence is currently insufficient to determine the role of this variant in disease. Therefore, it has been classified as a Variant of Uncertain Significance. Algorithms developed to predict the effect of missense changes on protein structure and function (SIFT, PolyPhen-2, Align-GVGD) all suggest that this variant is likely to be tolerated. This variant has not been reported in the literature in individuals affected with TMEM70-related conditions. This variant is present in population databases (rs763250012, gnomAD 0.02%). This sequence change replaces asparagine, which is neutral and polar, with serine, which is neutral and polar, at codon 99 of the TMEM70 protein (p.Asn99Ser).